The following is an entry in ClinVar:

ClinVar aggregate classification (germline): Uncertain significance. Review status: criteria provided, multiple submitters, no conflicts (2 of 4 stars). 2 submissions from 2 submitters: Uncertain significance (2). Last evaluated 2025-03-10.

Conditions:
Methylcobalamin deficiency type cblG (HMAG). Also called: HOMOCYSTINURIA-MEGALOBLASTIC ANEMIA DUE TO DEFECT IN COBALAMIN METABOLISM, cblG COMPLEMENTATION TYPE; HOMOCYSTINURIA-MEGALOBLASTIC ANEMIA, cblG COMPLEMENTATION TYPE; Functional methionine synthase deficiency type cblG; HOMOCYSTINURIA-MEGALOBLASTIC ANEMIA, cblG TYPE. Identifiers: Orphanet 2170, Orphanet 622, MedGen C1855128, MONDO:0009609, OMIM 250940.

Allele frequency attached by ClinVar (database versions not stated): TOPMed below 0.00001; ExAC 0.00001; gnomAD 0.00001; gnomAD exomes 0.00001; ESP Exome Variant Server 0.00008.
gnomAD v4.1: 11 of 1,613,734 alleles (0.00068%); highest among the groups gnomAD compares: African/African-American, 0.0013%; no homozygotes.

Submissions (2):

Women's Health and Genetics/Laboratory Corporation of America, LabCorp
Classification: Uncertain significance. Last evaluated: 2025-03-10. Review status: criteria provided, single submitter. Criteria: LabCorp Variant Classification Summary - May 2015. Collection method: clinical testing. Allele origin: germline.
Comment: Variant summary: MTR c.2411T>C (p.Ile804Thr) results in a non-conservative amino acid change in the encoded protein sequence. Five of five in-silico tools predict a damaging effect of the variant on protein function. The variant allele was found at a frequency of 1.2e-05 in 251302 control chromosomes. The available data on variant occurrences in the general population are insufficient to allow any conclusion about variant significance. c.2411T>C has been reported in the literature in individuals affected with methylcobalamin deficiency and infantile epileptic spasms (e.g., Koh_2023, Watkins_2002). These data do not allow any conclusion about variant significance. To our knowledge, no experimental evidence demonstrating an impact on protein function has been reported. The following publications have been ascertained in the context of this evaluation (PMID: 37471090, 12068375). ClinVar contains an entry for this variant (Variation ID: 962914). Based on the evidence outlined above, the variant was classified as uncertain significance.

Labcorp Genetics (formerly Invitae), Labcorp
Classification: Uncertain significance for Methylcobalamin deficiency type cblG. Last evaluated: 2021-08-20. Review status: criteria provided, single submitter. Criteria: Invitae Variant Classification Sherloc (09022015). Collection method: clinical testing. Allele origin: germline.
Comment: This sequence change replaces isoleucine with threonine at codon 804 of the MTR protein (p.Ile804Thr). The isoleucine residue is highly conserved and there is a moderate physicochemical difference between isoleucine and threonine. This variant is present in population databases (rs147387989, ExAC 0.001%). This missense change has been observed in individuals with cobalamin G deficiency (PMID: 12068375; Invitae). Algorithms developed to predict the effect of missense changes on protein structure and function (SIFT, PolyPhen-2, Align-GVGD) all suggest that this variant is likely to be disruptive. In summary, the available evidence is currently insufficient to determine the role of this variant in disease. Therefore, it has been classified as a Variant of Uncertain Significance.

Literature cited by the submitters: PubMed 12068375 (cited by Women's Health and Genetics/Laboratory Corporation of America, LabCorp and Labcorp Genetics (formerly Invitae), Labcorp); PubMed 37471090 (cited by Women's Health and Genetics/Laboratory Corporation of America, LabCorp).

NM_000254.3(MTR):c.2411T>C (p.Ile804Thr)

Gene: MTR (5-methyltetrahydrofolate-homocysteine methyltransferase; plus strand). Cytogenetic location: 1q43.
Variant type: single nucleotide variant.
Coding change: c.2411T>C on transcript NM_000254.3 (MANE Select); coding-DNA position 2411, T replaced by C.
Protein change: p.Ile804Thr; replaces isoleucine 804 with threonine.
Molecular consequence: missense variant.
Genome position (GRCh38, 1-based): chr1:236,873,778, T>C. VCF-style: chr1-236873778-T-C. GRCh37 (hg19) VCF-style: chr1-237037078-T-C.
Other names: c.2258T>C, p.Ile753Thr (NM_001291939.1); c.1190T>C, p.Ile397Thr (NM_001291940.2); short protein forms I397T, I804T, I753T.
Identifiers: ClinVar variation 962914 (VCV000962914.8), dbSNP rs147387989, ClinGen allele CA1474381.
Genomic context (GRCh38, chr1:236,873,778, plus strand): 5'-TTTTGTCTCTAATGGGCTTTCATTAATTTTCTCATGTCTCATTTCTGTGCCTCAGAGTTA[T>C]TGATTTAGGAGTCATGACTCCATGTGATAAGATACTGAAAGCTGCTCTTGACCACAAAGC-3'
Protein context (NP_000245.2, residues 794-814): VVLGCNNFRV[Ile804Thr]DLGVMTPCDK